The following is an entry in ClinVar:

ClinVar aggregate classification (germline): Uncertain significance (1 of 4 stars; one submission).

Conditions:
Charcot-Marie-Tooth disease axonal type 2Z. Also called: CHARCOT-MARIE-TOOTH DISEASE, AXONAL, AUTOSOMAL DOMINANT, TYPE 2Z; CHARCOT-MARIE-TOOTH NEUROPATHY, TYPE 2Z. Identifiers: Orphanet 466768, MedGen C5569025, MONDO:0014736, OMIM 616688.

Submission:

Labcorp Genetics (formerly Invitae), Labcorp
Classification: Uncertain significance for Charcot-Marie-Tooth disease axonal type 2Z. Last evaluated: 2023-06-23. Review status: criteria provided, single submitter. Criteria: Invitae Variant Classification Sherloc (09022015). Collection method: clinical testing. Allele origin: germline.
Comment: This sequence change falls in intron 11 of the MORC2 gene. It does not directly change the encoded amino acid sequence of the MORC2 protein. It affects a nucleotide within the consensus splice site. This variant is not present in population databases (gnomAD no frequency). This variant has not been reported in the literature in individuals affected with MORC2-related conditions. Variants that disrupt the consensus splice site are a relatively common cause of aberrant splicing (PMID: 17576681, 9536098). Algorithms developed to predict the effect of sequence changes on RNA splicing suggest that this variant is not likely to affect RNA splicing. In summary, the available evidence is currently insufficient to determine the role of this variant in disease. Therefore, it has been classified as a Variant of Uncertain Significance.

Literature cited by the submitters: PubMed 17576681; PubMed 9536098.

NM_001303256.3(MORC2):c.987+4A>C

Gene: MORC2 (MORC family CW-type zinc finger 2; minus strand). Cytogenetic location: 22q12.2.
Variant type: single nucleotide variant.
Coding change: c.987+4A>C on transcript NM_001303256.3 (MANE Select); 4 bases into the intron after coding-DNA position 987, A replaced by C.
Molecular consequence: intron variant.
Genome position (GRCh38, 1-based): chr22:30,939,955, T>G on the plus strand (A>C on the coding strand, the complement: MORC2 is on the minus strand). VCF-style: chr22-30939955-T-G. GRCh37 (hg19) VCF-style: chr22-31335942-T-G.
Other names: c.987+4A>C (NM_001303257.2); c.801+4A>C (NM_014941.3).
Identifiers: ClinVar variation 2725069 (VCV002725069.3), dbSNP rs2517596865, ClinGen allele CA2697552696.